The following is an entry in ClinVar:

NM_000179.3(MSH6):c.694_700del (p.Gln232fs)

Gene: MSH6 (mutS homolog 6; plus strand). Cytogenetic location: 2p16.3.
Variant type: Deletion.
Coding change: c.694_700del on transcript NM_000179.3 (MANE Select); coding-DNA positions 694 to 700, 7 bases deleted (CAGCCTA; older notation c.694_700delCAGCCTA).
Protein change: p.Gln232fs; shifts the reading frame from glutamine 232.
Molecular consequence: frameshift variant. On other transcripts: 5 prime UTR variant (2).
Genome position (GRCh38, 1-based): chr2:47,798,677-47,798,683, CAGCCTA deleted; deleting any 7 consecutive bases within chr2:47,798,675-47,798,683 gives the same sequence; the c. name uses the placement nearest the transcript's 3' end. VCF-style (leftmost placement, unchanged base first): chr2-47798674-GTACAGCC-G. GRCh37 (hg19) VCF-style: chr2-48025813-GTACAGCC-G.
Other names: c.304_310del, p.Gln102fs (NM_001281492.2); c.-213_-207del (NM_001281493.2, NM_001281494.2); c.694_700delCAGCCTA (NM_000179.2); short protein forms Q232fs, Q102fs.
Identifiers: ClinVar variation 641113 (VCV000641113.7), dbSNP rs1572719974, ClinGen allele CA915943799.
Genomic context (GRCh38, chr2:47,798,674, plus strand): 5'-GGCACAACTTACGTAACAGATAAGAGTGAAGAAGATAATGAAATTGAGAGTGAAGAGGAA[GTACAGCC>G]TAAGACACAAGGATCTAGGCGAAGTAGCCGCCAAATAAAAAAACGAAGGGTCATATCAGA-3'

ClinVar aggregate classification (germline): Pathogenic (1 of 4 stars; one submission).

Conditions:
Hereditary nonpolyposis colorectal neoplasms. Identifiers: MedGen C0009405, MeSH D003123.

Submission:

Labcorp Genetics (formerly Invitae), Labcorp
Classification: Pathogenic for Hereditary nonpolyposis colorectal neoplasms. Last evaluated: 2018-09-18. Review status: criteria provided, single submitter. Criteria: Invitae Variant Classification Sherloc (09022015). Collection method: clinical testing. Allele origin: germline.
Comment: For these reasons, this variant has been classified as Pathogenic. Loss-of-function variants in MSH6 are known to be pathogenic (PMID: 18269114, 24362816). This variant has not been reported in the literature in individuals with MSH6-related disease. This variant is not present in population databases (ExAC no frequency). This sequence change creates a premature translational stop signal (p.Gln232Argfs*12) in the MSH6 gene. It is expected to result in an absent or disrupted protein product.

Literature cited by the submitters: PubMed 18269114; PubMed 24362816.